The following is an entry in ClinVar:

ClinVar aggregate classification (germline): Pathogenic. Review status: criteria provided, single submitter (1 of 4 stars). 2 submissions from 2 submitters: Pathogenic (1). 1 of the submissions does not count toward it. Last evaluated 2023-05-02.

Conditions:
Laron-type isolated somatotropin defect. Also called: GROWTH HORMONE RECEPTOR DEFICIENCY; Laron Syndrome; Growth hormone binding protein deficiency or dysfunction; Growth hormone receptor deficiency or dysfunction; Laron dwarfism; Laron type pituitary dwarfism I. Identifiers: Orphanet 633, MedGen C0271568, MONDO:0009877, OMIM 262500.

gnomAD v4.1: 2 of 1,613,512 alleles (0.00012%); highest among the groups gnomAD compares: Non-Finnish European, 0.00017%; no homozygotes.

Submissions (2):

Broad Center for Mendelian Genomics, Broad Institute of MIT and Harvard
Classification: Pathogenic for Laron-type isolated somatotropin defect. Last evaluated: 2023-05-02. Review status: criteria provided, single submitter. Criteria: ACMG Guidelines, 2015. Collection method: curation. Allele origin: germline. Inheritance: Autosomal recessive inheritance.
Comment: The c.287+1G>A variant in GHR has been previously reported in (PMID: 8488849) in one individual with Laron syndrome. This variant has also been reported in ClinVar (Variation ID: 8640) and has been interpreted as pathogenic by OMIM. This variant was absent from large population studies. This variant is located in the 5' splice region. Computational tools do suggest an impact to splicing. However, this information is not predictive enough to determine pathogenicity. Loss of function of the GHR gene is an established disease mechanism in autosomal recessive Laron syndrome. In summary, this variant meets criteria to be classified as pathogenic for autosomal recessive Laron syndrome. ACMG/AMP Criteria applied: PVS1, PM2_Supporting, PM3 (Richards 2015).

OMIM
Classification: Pathogenic for LARON SYNDROME. Last evaluated: 1993-05-01. Review status: no assertion criteria provided. Collection method: literature only. Allele origin: germline. Not counted in ClinVar's aggregate classification.

Literature cited by the submitters: PubMed 8488849 (cited by OMIM).

NM_000163.5(GHR):c.266+1G>A

Gene: GHR (growth hormone receptor; plus strand). Cytogenetic location: 5p12.
Variant type: single nucleotide variant.
Coding change: c.266+1G>A on transcript NM_000163.5 (MANE Select); the canonical splice donor site of the intron after coding-DNA position 266, G replaced by A.
Molecular consequence: splice donor variant.
Genome position (GRCh38, 1-based): chr5:42,689,020, G>A. VCF-style: chr5-42689020-G-A. GRCh37 (hg19) VCF-style: chr5-42689122-G-A.
Other names: IVS4DS, G-A, +1; c.200+1G>A (NM_001242460.2); c.266+1G>A (NM_001242400.2, NM_001242401.4, NM_001242402.2 and 5 more transcripts); c.287+1G>A (NM_001242399.2).
Identifiers: ClinVar variation 8640 (VCV000008640.2), dbSNP rs1009412984, ClinGen allele CA118047017.
Genomic context (GRCh38, chr5:42,689,020, plus strand): 5'-AGATGAGGTTCATCATGGTACAAAGAACCTAGGACCCATACAGCTGTTCTATACCAGAAG[G>A]TGCCACCATCATGCCTTTCTGATTTTCCTCTCCATGGATGTACCTACTAAAGTACACTGA-3'